The following is an entry in ClinVar:

NM_000301.5(PLG):c.1416T>A (p.Asp472Glu)

Gene: PLG (plasminogen; plus strand). Cytogenetic location: 6q26.
Variant type: single nucleotide variant.
Coding change: c.1416T>A on transcript NM_000301.5 (MANE Select); coding-DNA position 1416, T replaced by A.
Protein change: p.Asp472Glu; replaces aspartic acid 472 with glutamic acid.
Molecular consequence: missense variant.
Genome position (GRCh38, 1-based): chr6:160,731,210, T>A. VCF-style: chr6-160731210-T-A. GRCh37 (hg19) VCF-style: chr6-161152242-T-A.
Other names: p.Asp472Glu; short protein forms D472E.
Identifiers: ClinVar variation 2080644 (VCV002080644.8), dbSNP rs748980932, ClinGen allele CA4087773.
Genomic context (GRCh38, chr6:160,731,210, plus strand): 5'-AAAATGCTCAGGAACAGAAGCGAGTGTTGTAGCACCTCCGCCTGTTGTCCTGCTTCCAGA[T>A]GTAGAGACTCCTTCCGAAGAAGGTAAGAAATCTGTGGCTGGACATCTACACACTTGGACG-3'
Protein context (NP_000292.1, residues 462-482): VAPPPVVLLP[Asp472Glu]VETPSEEDCM

ClinVar aggregate classification (germline): Uncertain significance. Review status: criteria provided, multiple submitters, no conflicts (2 of 4 stars). 4 submissions from 4 submitters: Uncertain significance (3). 1 of the submissions does not count toward it. Last evaluated 2025-09-05.

Conditions:
PLG-related disorder. Also called: PLG-related condition.
Inborn genetic diseases. Identifiers: MedGen C0950123, MeSH D030342.

Allele frequency attached by ClinVar (database versions not stated): gnomAD 0.00003; ExAC 0.00008.
gnomAD v4.1: 60 of 1,613,896 alleles (0.0037%); highest among the groups gnomAD compares: South Asian, 0.037%; 1 homozygote.

Submissions (4):

Labcorp Genetics (formerly Invitae), Labcorp
Classification: Uncertain significance. Last evaluated: 2025-09-05. Review status: criteria provided, single submitter. Criteria: Invitae Variant Classification Sherloc (09022015). Collection method: clinical testing. Allele origin: germline.
Comment: This sequence change replaces aspartic acid, which is acidic and polar, with glutamic acid, which is acidic and polar, at codon 472 of the PLG protein (p.Asp472Glu). This variant is present in population databases (rs748980932, gnomAD 0.05%). This variant has not been reported in the literature in individuals affected with PLG-related conditions. ClinVar contains an entry for this variant (Variation ID: 2080644). Invitae Evidence Modeling of protein sequence and biophysical properties (such as structural, functional, and spatial information, amino acid conservation, physicochemical variation, residue mobility, and thermodynamic stability) indicates that this missense variant is not expected to disrupt PLG protein function with a negative predictive value of 80%. In summary, the available evidence is currently insufficient to determine the role of this variant in disease. Therefore, it has been classified as a Variant of Uncertain Significance.

Ambry Genetics
Classification: Uncertain significance for Inborn genetic diseases. Last evaluated: 2025-04-08. Review status: criteria provided, single submitter. Criteria: Ambry Variant Classification Scheme 2023. Collection method: clinical testing. Allele origin: germline.

Mayo Clinic Laboratories, Mayo Clinic
Classification: Uncertain significance. Last evaluated: 2022-05-24. Review status: criteria provided, single submitter. Criteria: ACMG Guidelines, 2015. Collection method: clinical testing. Allele origin: germline. Observed: 1 variant allele.
Comment: BP4

PreventionGenetics, part of Exact Sciences
Classification: Uncertain significance for PLG-related condition. Last evaluated: 2024-04-10. Review status: no assertion criteria provided. Collection method: clinical testing. Allele origin: germline. Not counted in ClinVar's aggregate classification.
Comment: The PLG c.1416T>A variant is predicted to result in the amino acid substitution p.Asp472Glu. To our knowledge, this variant has not been reported in the literature. This variant is reported in 0.052% of alleles in individuals of South Asian descent in gnomAD. At this time, the clinical significance of this variant is uncertain due to the absence of conclusive functional and genetic evidence.